The following is an entry in ClinVar:

ClinVar aggregate classification (germline): Uncertain significance (1 of 4 stars; one submission).

Conditions:
Noonan syndrome 9 (NS9). Identifiers: Orphanet 648, MedGen C4225282, MONDO:0014691, OMIM 616559.

Submission:

Labcorp Genetics (formerly Invitae), Labcorp
Classification: Uncertain significance for Noonan syndrome 9. Last evaluated: 2024-05-12. Review status: criteria provided, single submitter. Criteria: Invitae Variant Classification Sherloc (09022015). Collection method: clinical testing. Allele origin: germline.
Comment: This sequence change replaces glycine, which is neutral and non-polar, with arginine, which is basic and polar, at codon 745 of the SOS2 protein (p.Gly745Arg). Information on the frequency of this variant in the gnomAD database is not available, as this variant may be reported differently in the database. This variant has not been reported in the literature in individuals affected with SOS2-related conditions. Experimental studies and prediction algorithms are not available or were not evaluated, and the functional significance of this variant is currently unknown. In summary, the available evidence is currently insufficient to determine the role of this variant in disease. Therefore, it has been classified as a Variant of Uncertain Significance.

NM_006939.4(SOS2):c.2232_2233delinsTA (p.Gly745Arg)

Gene: SOS2 (SOS Ras/Rho guanine nucleotide exchange factor 2; minus strand). Cytogenetic location: 14q21.3.
Variant type: Indel.
Coding change: c.2232_2233delinsTA on transcript NM_006939.4 (MANE Select); coding-DNA positions 2232 to 2233, CG replaced by TA.
Protein change: p.Gly745Arg; replaces glycine 745 with arginine.
Molecular consequence: missense variant.
Genome position (GRCh38, 1-based): chr14:50,150,159-50,150,160, CG replaced by TA on the plus strand (CG replaced by TA on the coding strand, the reverse complement: SOS2 is on the minus strand). VCF-style: chr14-50150159-CG-TA. GRCh37 (hg19) VCF-style: chr14-50616877-CG-TA.
Other names: c.2133_2134delinsTA, p.Gly712Arg (NM_001411020.1); short protein forms G712R, G745R.
Identifiers: ClinVar variation 3714883 (VCV003714883.2).